The following is an entry in ClinVar:

ClinVar aggregate classification (germline): Benign (1 of 4 stars; one submission).

Conditions:
Melanoma-pancreatic cancer syndrome. Identifiers: Orphanet 404560, MedGen C1838547, MONDO:0011713, OMIM 606719. Disease mechanism: loss of function.

Submission:

Myriad Genetics, Inc.
Classification: Benign for Melanoma-pancreatic cancer syndrome. Last evaluated: 2025-08-18. Review status: criteria provided, single submitter. Criteria: Myriad Autosomal Dominant, Autosomal Recessive and X-Linked Classification Criteria (2023). Collection method: clinical testing. Allele origin: unknown.
Comment: This variant is considered benign. This variant is intronic and is not expected to impact mRNA splicing.

NM_000077.5(CDKN2A):c.458-60dup

Gene: CDKN2A (cyclin dependent kinase inhibitor 2A; minus strand). Cytogenetic location: 9p21.3.
Variant type: Duplication.
Coding change: c.458-60dup on transcript NM_000077.5 (MANE Select); 60 bases into the intron before coding-DNA position 458, one base duplicated (A; older notation c.458-60dupA).
Molecular consequence: intron variant.
Genome position (GRCh38, 1-based): chr9:21,968,302, T duplicated on the plus strand (A on the coding strand, the reverse complement: CDKN2A is on the minus strand). VCF-style (leftmost placement, unchanged base first): chr9-21968301-A-AT. GRCh37 (hg19) VCF-style: chr9-21968300-A-AT.
Other names: c.*102-60dup (NM_058195.4); c.*151-60dup (NM_001195132.2); c.*381-60dup (NM_058197.5); c.305-60dup (NM_001363763.2).
Identifiers: ClinVar variation 4294115 (VCV004294115.1).